The following is an entry in ClinVar:

NM_025152.3(NUBPL):c.677G>C (p.Arg226Pro)

Gene: NUBPL (NUBP iron-sulfur cluster assembly factor, mitochondrial; plus strand). Cytogenetic location: 14q12.
Variant type: single nucleotide variant.
Coding change: c.677G>C on transcript NM_025152.3 (MANE Select); coding-DNA position 677, G replaced by C.
Protein change: p.Arg226Pro; replaces arginine 226 with proline.
Molecular consequence: missense variant. On other transcripts: non-coding transcript variant (1).
Genome position (GRCh38, 1-based): chr14:31,826,698, G>C. VCF-style: chr14-31826698-G-C. GRCh37 (hg19) VCF-style: chr14-32295904-G-C.
Other names: c.389G>C, p.Arg130Pro (NM_001201573.2); c.128G>C, p.Arg43Pro (NM_001201574.2); short protein forms R130P, R226P, R43P.
Identifiers: ClinVar variation 2015913 (VCV002015913.1), dbSNP rs79498789, ClinGen allele CA389479991.

ClinVar aggregate classification (germline): Uncertain significance (1 of 4 stars; one submission).

Submission:

Labcorp Genetics (formerly Invitae), Labcorp
Classification: Uncertain significance. Last evaluated: 2022-08-22. Review status: criteria provided, single submitter. Criteria: Invitae Variant Classification Sherloc (09022015). Collection method: clinical testing. Allele origin: germline.
Comment: This sequence change replaces arginine, which is basic and polar, with proline, which is neutral and non-polar, at codon 226 of the NUBPL protein (p.Arg226Pro). This variant is not present in population databases (gnomAD no frequency). This variant has not been reported in the literature in individuals affected with NUBPL-related conditions. Algorithms developed to predict the effect of missense changes on protein structure and function are either unavailable or do not agree on the potential impact of this missense change (SIFT: "Tolerated"; PolyPhen-2: "Probably Damaging"; Align-GVGD: "Class C0"). In summary, the available evidence is currently insufficient to determine the role of this variant in disease. Therefore, it has been classified as a Variant of Uncertain Significance.